The following is an entry in ClinVar:

NM_000297.4(PKD2):c.778_779dup (p.Val262fs)

Gene: PKD2 (polycystin 2, transient receptor potential cation channel; plus strand). Cytogenetic location: 4q22.1.
Variant type: Microsatellite.
Coding change: c.778_779dup on transcript NM_000297.4 (MANE Select); coding-DNA positions 778 to 779, 2 bases duplicated (AC; older notation c.778_779dupAC).
Protein change: p.Val262fs; shifts the reading frame from valine 262.
Molecular consequence: frameshift variant. On other transcripts: non-coding transcript variant (1).
Genome position (GRCh38, 1-based): chr4:88,036,288-88,036,289, AC duplicated; duplicating any 2 consecutive bases within chr4:88,036,286-88,036,289 gives the same sequence; the c. name uses the placement nearest the transcript's 3' end. VCF-style (leftmost placement, unchanged base first): chr4-88036285-G-GAC. GRCh37 (hg19) VCF-style: chr4-88957437-G-GAC.
Other names: short protein forms V262fs.
Identifiers: ClinVar variation 3338388 (VCV003338388.1).

ClinVar aggregate classification (germline): Pathogenic (1 of 4 stars; one submission).

Conditions:
Polycystic kidney disease 2 (PKD2). Also called: POLYCYSTIC KIDNEY DISEASE 2 WITH OR WITHOUT POLYCYSTIC LIVER DISEASE; Polycystic Kidney Disease 2, Autosomal Dominant; POLYCYSTIC KIDNEY DISEASE, ADULT, TYPE II. Identifiers: MedGen C2751306, MONDO:0013131, OMIM 613095.

Submission:

MVZ Medizinische Genetik Mainz
Classification: Pathogenic for Polycystic kidney disease 2. Last evaluated: 2024-07-30. Review status: criteria provided, single submitter. Criteria: UK Practice Guidelines For Variant Classification V4 01 2020. Collection method: clinical testing. Allele origin: germline. Inheritance: Autosomal dominant inheritance. Affected: yes. Observed: 1 variant allele.
Comment: ACMG Criteria: PVS1,PM2_SUP,PP4